The following is an entry in ClinVar:

ClinVar aggregate classification (germline): Benign/Likely benign. Review status: criteria provided, multiple submitters, no conflicts (2 of 4 stars). 3 submissions from 3 submitters: Benign (1); Likely benign (1). 1 of the submissions does not count toward it. Last evaluated 2025-07-02.

Conditions:
Spermatogenic failure 18. Identifiers: MedGen C4539783, MONDO:0054615, OMIM 617576.
Ciliary dyskinesia, primary, 37 (CILD37). Also called: CILIARY DYSKINESIA, PRIMARY, 37, WITH OR WITHOUT SITUS INVERSUS. Identifiers: MedGen C4539798, MONDO:0033204, OMIM 617577.
DNAH1-related disorder. Also called: DNAH1-related condition.

Allele frequency attached by ClinVar (database versions not stated): TOPMed 0.00003; ExAC 0.00005; gnomAD 0.00005 and 0.00006; gnomAD exomes 0.00005.
gnomAD v4.1: 94 of 1,613,874 alleles (0.0058%); highest among the groups gnomAD compares: East Asian, 0.0089%; no homozygotes.

Submissions (3):

Labcorp Genetics (formerly Invitae), Labcorp
Classification: Likely benign for Ciliary dyskinesia, primary, 37; Spermatogenic failure 18. Last evaluated: 2025-07-02. Review status: criteria provided, single submitter. Criteria: Invitae Variant Classification Sherloc (09022015). Collection method: clinical testing. Allele origin: germline.

Laboratory of Genetics, Children's Clinical University Hospital Latvia
Classification: Benign. Last evaluated: 2025-02-16. Review status: criteria provided, single submitter. Criteria: ACMG Guidelines, 2015. Collection method: clinical testing. Allele origin: germline. Affected: yes.

PreventionGenetics, part of Exact Sciences
Classification: Likely benign for DNAH1-related condition. Last evaluated: 2019-02-20. Review status: no assertion criteria provided. Collection method: clinical testing. Allele origin: germline. Not counted in ClinVar's aggregate classification.
Comment: This variant is classified as likely benign based on ACMG/AMP sequence variant interpretation guidelines (Richards et al. 2015 PMID: 25741868, with internal and published modifications).

NM_015512.5(DNAH1):c.6057C>T (p.Ile2019=)

Gene: DNAH1 (dynein axonemal heavy chain 1; plus strand). Cytogenetic location: 3p21.1.
Variant type: single nucleotide variant.
Coding change: c.6057C>T on transcript NM_015512.5 (MANE Select); coding-DNA position 6057, C replaced by T.
Protein change: p.Ile2019=; no amino-acid change (isoleucine 2019 retained).
Molecular consequence: synonymous variant.
Genome position (GRCh38, 1-based): chr3:52,369,938, C>T. VCF-style: chr3-52369938-C-T. GRCh37 (hg19) VCF-style: chr3-52403954-C-T.
Identifiers: ClinVar variation 720073 (VCV000720073.12), dbSNP rs371029266, ClinGen allele CA2434406.